The following is an entry in ClinVar:

ClinVar aggregate classification (germline): Benign/Likely benign. Review status: criteria provided, multiple submitters, no conflicts (2 of 4 stars). 3 submissions from 3 submitters: Benign (2); Likely benign (1). Last evaluated 2026-01-15.

Conditions:
Isolated focal non-epidermolytic palmoplantar keratoderma. Also called: Palmoplantar keratoderma, nonepidermolytic, focal 2. Identifiers: Orphanet 448264, MedGen C4225339, MONDO:0014622, OMIM 616400.

Allele frequency attached by ClinVar (database versions not stated): 1000 Genomes Project 0.00140; 1000 Genomes Project 30x 0.00141; gnomAD 0.00239 and 0.00255; gnomAD exomes 0.00254; ExAC 0.00263; TOPMed 0.00269; ESP Exome Variant Server 0.00323.
gnomAD v4.1: 5,060 of 1,597,880 alleles (0.32%); highest among the groups gnomAD compares: Non-Finnish European, 0.38%; 11 homozygotes.

Submissions (3):

Labcorp Genetics (formerly Invitae), Labcorp
Classification: Benign. Last evaluated: 2026-01-15. Review status: criteria provided, single submitter. Criteria: Invitae Variant Classification Sherloc (09022015). Collection method: clinical testing. Allele origin: germline.

Blueprint Genetics
Classification: Likely benign. Last evaluated: 2024-11-27. Review status: criteria provided, single submitter. Criteria: ACMG Guidelines, 2015. Collection method: clinical testing. Allele origin: germline.

Illumina Laboratory Services, Illumina
Classification: Benign for Isolated focal non-epidermolytic palmoplantar keratoderma. Last evaluated: 2018-01-13. Review status: criteria provided, single submitter. Criteria: ICSL Variant Classification Criteria 13 December 2019. Collection method: clinical testing. Allele origin: germline.
Comment: This variant was observed in the ICSL laboratory as part of a predisposition screen in an ostensibly healthy population. It had not been previously curated by ICSL or reported in the Human Gene Mutation Database (HGMD: prior to June 1st, 2018), and was therefore a candidate for classification through an automated scoring system. Utilizing variant allele frequency, disease prevalence and penetrance estimates, and inheritance mode, an automated score was calculated to assess if this variant is too frequent to cause the disease. Based on the score and internal cut-off values, a variant classified as benign is not then subjected to further curation. The score for this variant resulted in a classification of benign for this disease.

NM_145068.4(TRPV3):c.119+10G>A

Gene: TRPV3 (transient receptor potential cation channel subfamily V member 3; minus strand). Cytogenetic location: 17p13.2.
Variant type: single nucleotide variant.
Coding change: c.119+10G>A on transcript NM_145068.4 (MANE Select); 10 bases into the intron after coding-DNA position 119, G replaced by A.
Molecular consequence: intron variant.
Genome position (GRCh38, 1-based): chr17:3,554,722, C>T on the plus strand (G>A on the coding strand, the complement: TRPV3 is on the minus strand). VCF-style: chr17-3554722-C-T. GRCh37 (hg19) VCF-style: chr17-3458016-C-T.
Other names: c.119+10G>A (NM_001258205.2).
Identifiers: ClinVar variation 322797 (VCV000322797.15), dbSNP rs182566183, ClinGen allele CA8290014.